The following is an entry in ClinVar:

ClinVar aggregate classification (germline): Uncertain significance. Review status: criteria provided, multiple submitters, no conflicts (2 of 4 stars). 2 submissions from 2 submitters: Uncertain significance (2). Last evaluated 2024-03-24.

Conditions:
Holt-Oram syndrome (HOS). Also called: Ventriculo-radial syndrome; Cardiac-limb syndrome; Heart-hand syndrome, type 1; TBX5-Related Holt-Oram Syndrome. Identifiers: Orphanet 392, MedGen C0265264, MONDO:0007732, OMIM 142900.
Cardiovascular phenotype. Identifiers: MedGen CN230736.

Submissions (2):

Ambry Genetics
Classification: Uncertain significance for Cardiovascular phenotype. Last evaluated: 2024-03-24. Review status: criteria provided, single submitter. Criteria: Ambry Variant Classification Scheme 2023. Collection method: clinical testing. Allele origin: germline.
Comment: The p.D5N variant (also known as c.13G>A), located in coding exon 1 of the TBX5 gene, results from a G to A substitution at nucleotide position 13. The aspartic acid at codon 5 is replaced by asparagine, an amino acid with highly similar properties. This amino acid position is conserved. In addition, this alteration is predicted to be tolerated by in silico analysis. Based on the available evidence, the clinical significance of this alteration remains unclear.

Illumina Laboratory Services, Illumina
Classification: Uncertain significance for Holt-Oram syndrome. Last evaluated: 2018-01-13. Review status: criteria provided, single submitter. Criteria: ICSL Variant Classification Criteria 13 December 2019. Collection method: clinical testing. Allele origin: germline.

NM_181486.4(TBX5):c.13G>A (p.Asp5Asn)

Gene: TBX5 (T-box transcription factor 5; minus strand). Cytogenetic location: 12q24.21.
Variant type: single nucleotide variant.
Coding change: c.13G>A on transcript NM_181486.4 (MANE Select); coding-DNA position 13, G replaced by A.
Protein change: p.Asp5Asn; replaces aspartic acid 5 with asparagine.
Molecular consequence: missense variant. On other transcripts: intron variant (1).
Genome position (GRCh38, 1-based): chr12:114,403,886, C>T on the plus strand (G>A on the coding strand, the complement: TBX5 is on the minus strand). VCF-style: chr12-114403886-C-T. GRCh37 (hg19) VCF-style: chr12-114841691-C-T.
Other names: c.13G>A, p.Asp5Asn (NM_000192.3); c.-3-1966G>A (NM_080717.4); short protein forms D5N.
Identifiers: ClinVar variation 307312 (VCV000307312.6), dbSNP rs886048999, ClinGen allele CA10632086.
Genomic context (GRCh38, chr12:114,403,886, plus strand): 5'-CGCAGGGCAGGTCTTTTGCGTCAGGCTCCAGAGGCGTGTGCGCCAGGCCAAAGCCCTCGT[C>T]TGCGTCGGCCATGGTGCGCCCAGGGCCCTGTGCCCGCGCAAGGTTCTGCTCTGAGGACAA-3'
Protein context (NP_852259.1, residues 1-15): MADA[Asp5Asn]EGFGLAHTPL